The following is an entry in ClinVar:

NM_015443.4(KANSL1):c.915A>G (p.Leu305=)

Gene: KANSL1 (KAT8 regulatory NSL complex subunit 1). Cytogenetic location: 17q21.31.
Variant type: single nucleotide variant.
Coding change: c.915A>G on transcript NM_015443.4 (MANE Select); coding-DNA position 915, A replaced by G.
Protein change: p.Leu305=; no amino-acid change (leucine 305 retained).
Molecular consequence: synonymous variant.
Genome position (GRCh38, 1-based): chr17:46,171,229, T>C on the plus strand (A>G on the coding strand, the complement: KANSL1 is on the minus strand). VCF-style: chr17-46171229-T-C. GRCh37 (hg19) VCF-style: chr17-44248595-T-C.
Other names: c.915A>G, p.Leu305= (NM_001193465.2, NM_001193466.2, NM_001379198.1).
Identifiers: ClinVar variation 1124145 (VCV001124145.11), dbSNP rs2147737191, ClinGen allele CA500644232.

ClinVar aggregate classification (germline): Likely benign. Review status: criteria provided, multiple submitters, no conflicts (2 of 4 stars). 2 submissions from 2 submitters: Likely benign (2). Last evaluated 2026-05-01.

Conditions:
Koolen-de Vries syndrome (KDVS). Identifiers: Orphanet 96169, MedGen C1864871, MONDO:0012496, OMIM 610443.

gnomAD v4.1: 1 of 1,614,116 alleles (0.000062%); no homozygotes.

Submissions (2):

CeGaT Center for Human Genetics Tuebingen
Classification: Likely benign. Last evaluated: 2026-05-01. Review status: criteria provided, single submitter. Criteria: CeGaT Center For Human Genetics Tuebingen Variant Classification Criteria Version 2. Collection method: clinical testing. Allele origin: germline. Affected: yes. Observed: 1 variant allele.
Comment: KANSL1: BP4, BP7

Labcorp Genetics (formerly Invitae), Labcorp
Classification: Likely benign for Koolen-de Vries syndrome. Last evaluated: 2020-07-01. Review status: criteria provided, single submitter. Criteria: Invitae Variant Classification Sherloc (09022015). Collection method: clinical testing. Allele origin: germline.